The following is an entry in ClinVar:

ClinVar aggregate classification (germline): Uncertain significance (1 of 4 stars; one submission).

Submission:

GeneDx
Classification: Uncertain significance. Last evaluated: 2024-12-10. Review status: criteria provided, single submitter. Criteria: GeneDx Variant Classification Process June 2021. Collection method: clinical testing. Allele origin: germline. Affected: yes.
Comment: Not observed at significant frequency in large population cohorts (gnomAD); In silico analysis supports that this missense variant has a deleterious effect on protein structure/function; Has not been previously published as pathogenic or benign to our knowledge

NM_052867.4(NALCN):c.3245C>T (p.Pro1082Leu)

Gene: NALCN (sodium leak channel, non-selective; minus strand). Cytogenetic location: 13q32.3.
Variant type: single nucleotide variant.
Coding change: c.3245C>T on transcript NM_052867.4 (MANE Select); coding-DNA position 3245, C replaced by T.
Protein change: p.Pro1082Leu; replaces proline 1082 with leucine.
Molecular consequence: missense variant.
Genome position (GRCh38, 1-based): chr13:101,095,598, G>A on the plus strand (C>T on the coding strand, the complement: NALCN is on the minus strand). VCF-style: chr13-101095598-G-A. GRCh37 (hg19) VCF-style: chr13-101747949-G-A.
Other names: c.3332C>T, p.Pro1111Leu (NM_001350748.2); c.3245C>T, p.Pro1082Leu (NM_001350749.2); c.3158C>T, p.Pro1053Leu (NM_001350750.2, NM_001350751.2); short protein forms P1053L, P1082L, P1111L.
Identifiers: ClinVar variation 3902934 (VCV003902934.1).
Genomic context (GRCh38, chr13:101,095,598, plus strand): 5'-ACCATTCTTCAGAATATTTTTTTATGATATACTTACCAAACACGGGGCACCCAAAATCCA[G>A]GTTTTTTCTCTCCAGGCCTCAATTTTAAATTTAAGTTCTTTGACACACTGACATTAATTC-3'
Protein context (NP_443099.1, residues 1072-1092): NLKLRPGEKK[Pro1082Leu]GFWVPRVWAN